The following is an entry in ClinVar:

NM_001243279.3(ACSF3):c.408T>G (p.Tyr136Ter)

Gene: ACSF3 (acyl-CoA synthetase family member 3; plus strand). Cytogenetic location: 16q24.3.
Variant type: single nucleotide variant.
Coding change: c.408T>G on transcript NM_001243279.3 (MANE Select); coding-DNA position 408, T replaced by G.
Protein change: p.Tyr136Ter; replaces tyrosine 136 with a stop codon.
Molecular consequence: nonsense. On other transcripts: non-coding transcript variant (3), intron variant (1).
Genome position (GRCh38, 1-based): chr16:89,101,089, T>G. VCF-style: chr16-89101089-T-G. GRCh37 (hg19) VCF-style: chr16-89167497-T-G.
Other names: c.408T>G, p.Tyr136Ter (NM_001127214.4, NM_174917.5); c.-129-1515T>G (NM_001284316.2); short protein forms Y136*.
Identifiers: ClinVar variation 956758 (VCV000956758.9), dbSNP rs1313088429, ClinGen allele CA397134281.

ClinVar aggregate classification (germline): Pathogenic/Likely pathogenic. Review status: criteria provided, multiple submitters, no conflicts (2 of 4 stars). 3 submissions from 3 submitters: Pathogenic (1); Likely pathogenic (2). Last evaluated 2025-05-08.

Conditions:
Combined malonic and methylmalonic acidemia. Identifiers: Orphanet 289504, MedGen C3280314, MONDO:0013661, OMIM 614265.

gnomAD v4.1: 1 of 1,614,046 alleles (0.000062%); highest among the groups gnomAD compares: Admixed American, 0.0017%; no homozygotes.

Submissions (3):

Natera, Inc.
Classification: Likely pathogenic for Combined malonic and methylmalonic aciduria. Last evaluated: 2025-05-08. Review status: criteria provided, single submitter. Criteria: Natera Variant Classification Schema (03/2026). Collection method: clinical testing. Allele origin: germline.
Comment: The c.408T>G variant in ACSF3 is a nonsense variant predicted to introduce a stop codon at amino acid 136. This variant is expected to result in nonsense mediated decay, truncation, or a dysfunctional protein product. This variant is rare in the general population with a frequency below the threshold expected for the associated phenotype(s). Given the available evidence, this variant is classified as Likely Pathogenic.

Labcorp Genetics (formerly Invitae), Labcorp
Classification: Pathogenic for Combined malonic and methylmalonic acidemia. Last evaluated: 2023-09-27. Review status: criteria provided, single submitter. Criteria: Invitae Variant Classification Sherloc (09022015). Collection method: clinical testing. Allele origin: germline.
Comment: For these reasons, this variant has been classified as Pathogenic. ClinVar contains an entry for this variant (Variation ID: 956758). This variant has not been reported in the literature in individuals affected with ACSF3-related conditions. This variant is not present in population databases (gnomAD no frequency). This sequence change creates a premature translational stop signal (p.Tyr136*) in the ACSF3 gene. It is expected to result in an absent or disrupted protein product. Loss-of-function variants in ACSF3 are known to be pathogenic (PMID: 21841779, 26827111).

Baylor Genetics
Classification: Likely pathogenic for Combined malonic and methylmalonic acidemia. Last evaluated: 2022-11-08. Review status: criteria provided, single submitter. Criteria: ACMG Guidelines, 2015. Collection method: clinical testing. Allele origin: unknown.

Literature cited by the submitters: PubMed 21841779 (cited by Labcorp Genetics (formerly Invitae), Labcorp); PubMed 26827111 (cited by Labcorp Genetics (formerly Invitae), Labcorp).